The following is an entry in ClinVar:

ClinVar aggregate classification (germline): Uncertain significance (1 of 4 stars; one submission).

Allele frequency attached by ClinVar (database versions not stated): gnomAD exomes below 0.00001.
gnomAD v4.1: 2 of 1,609,104 alleles (0.00012%); highest among the groups gnomAD compares: Non-Finnish European, 0.00017%; no homozygotes.

Submission:

Labcorp Genetics (formerly Invitae), Labcorp
Classification: Uncertain significance. Last evaluated: 2025-03-31. Review status: criteria provided, single submitter. Criteria: Invitae Variant Classification Sherloc (09022015). Collection method: clinical testing. Allele origin: germline.
Comment: This sequence change replaces glutamic acid, which is acidic and polar, with lysine, which is basic and polar, at codon 468 of the SETD5 protein (p.Glu468Lys). This variant is not present in population databases (gnomAD no frequency). This variant has not been reported in the literature in individuals affected with SETD5-related conditions. ClinVar contains an entry for this variant (Variation ID: 1512981). Invitae Evidence Modeling of protein sequence and biophysical properties (such as structural, functional, and spatial information, amino acid conservation, physicochemical variation, residue mobility, and thermodynamic stability) indicates that this missense variant is not expected to disrupt SETD5 protein function with a negative predictive value of 80%. In summary, the available evidence is currently insufficient to determine the role of this variant in disease. Therefore, it has been classified as a Variant of Uncertain Significance.

NM_001080517.3(SETD5):c.1402G>A (p.Glu468Lys)

Gene: SETD5 (SET domain containing 5; plus strand). Cytogenetic location: 3p25.3.
Variant type: single nucleotide variant.
Coding change: c.1402G>A on transcript NM_001080517.3 (MANE Select); coding-DNA position 1402, G replaced by A.
Protein change: p.Glu468Lys; replaces glutamic acid 468 with lysine.
Molecular consequence: missense variant.
Genome position (GRCh38, 1-based): chr3:9,445,262, G>A. VCF-style: chr3-9445262-G-A. GRCh37 (hg19) VCF-style: chr3-9486946-G-A.
Other names: c.1108G>A, p.Glu370Lys (NM_001292043.2, NM_001349451.2); short protein forms E370K, E468K.
Identifiers: ClinVar variation 1512981 (VCV001512981.6), dbSNP rs2125237013, ClinGen allele CA351693658.